The following is an entry in ClinVar:

NM_017875.4(SLC25A38):c.*549G>A

Gene: SLC25A38 (solute carrier family 25 member 38; plus strand). Cytogenetic location: 3p22.1.
Variant type: single nucleotide variant.
Coding change: c.*549G>A on transcript NM_017875.4 (MANE Select); 549 bases downstream of the stop codon, G replaced by A.
Molecular consequence: 3 prime UTR variant.
Genome position (GRCh38, 1-based): chr3:39,397,069, G>A. VCF-style: chr3-39397069-G-A. GRCh37 (hg19) VCF-style: chr3-39438560-G-A.
Other names: c.*583G>A (NM_001354798.2).
Identifiers: ClinVar variation 903630 (VCV000903630.4), dbSNP rs189387075, ClinGen allele CA73041162.

ClinVar aggregate classification (germline): Likely benign (1 of 4 stars; one submission).

Conditions:
Sideroblastic anemia 2. Also called: Anemia, sideroblastic, 2, pyridoxine-refractory. Identifiers: Orphanet 260305, MedGen C4225425, MONDO:0008785, OMIM 205950.

Allele frequency attached by ClinVar (database versions not stated): gnomAD 0.00023 and 0.00032; TOPMed 0.00054; gnomAD exomes 0.00115; 1000 Genomes Project 30x 0.00172; 1000 Genomes Project 0.00200.

Submission:

Illumina Laboratory Services, Illumina
Classification: Likely benign for Sideroblastic anemia 2. Last evaluated: 2018-01-13. Review status: criteria provided, single submitter. Criteria: ICSL Variant Classification Criteria 13 December 2019. Collection method: clinical testing. Allele origin: germline.
Comment: This variant was observed in the ICSL laboratory as part of a predisposition screen in an ostensibly healthy population. It had not been previously curated by ICSL or reported in the Human Gene Mutation Database (HGMD: prior to June 1st, 2018), and was therefore a candidate for classification through an automated scoring system. Utilizing variant allele frequency, disease prevalence and penetrance estimates, and inheritance mode, an automated score was calculated to assess if this variant is too frequent to cause the disease. Based on the score and internal cut-off values, a variant classified as likely benign is not then subjected to further curation. The score for this variant resulted in a classification of likely benign for this disease.